The following is an entry in ClinVar:

ClinVar aggregate classification (germline): Uncertain significance (1 of 4 stars; one submission).

Submission:

GeneDx
Classification: Uncertain significance. Last evaluated: 2020-09-14. Review status: criteria provided, single submitter. Criteria: GeneDx Variant Classification Process June 2021. Collection method: clinical testing. Allele origin: germline. Affected: yes.
Comment: Not observed in large population cohorts (Lek et al., 2016); In silico analysis supports that this missense variant does not alter protein structure/function; Has not been previously published as pathogenic or benign to our knowledge

NM_000828.5(GRIA3):c.2371T>A (p.Leu791Met)

Gene: GRIA3 (glutamate ionotropic receptor AMPA type subunit 3; plus strand). Cytogenetic location: Xq25.
Variant type: single nucleotide variant.
Coding change: c.2371T>A on transcript NM_000828.5 (MANE Plus Clinical); coding-DNA position 2371, T replaced by A.
Protein change: p.Leu791Met; replaces leucine 791 with methionine.
Molecular consequence: missense variant. On other transcripts: intron variant (1).
Genome position (GRCh38, 1-based): chrX:123,465,720, T>A. VCF-style: chrX-123465720-T-A. GRCh37 (hg19) VCF-style: chrX-122599571-T-A.
Other names: c.2324+608T>A (NM_007325.5); short protein forms L791M.
Identifiers: ClinVar variation 1304635 (VCV001304635.2), dbSNP rs2147434347, ClinGen allele CA414266091.